The following is an entry in ClinVar:

NM_000458.4(HNF1B):c.1360C>T (p.Gln454Ter)

Gene: HNF1B (HNF1 homeobox B; minus strand). Cytogenetic location: 17q12.
Variant type: single nucleotide variant.
Coding change: c.1360C>T on transcript NM_000458.4 (MANE Select); coding-DNA position 1360, C replaced by T.
Protein change: p.Gln454Ter; replaces glutamine 454 with a stop codon.
Molecular consequence: nonsense. On other transcripts: intron variant (1).
Genome position (GRCh38, 1-based): chr17:37,701,157, G>A on the plus strand (C>T on the coding strand, the complement: HNF1B is on the minus strand). VCF-style: chr17-37701157-G-A. GRCh37 (hg19) VCF-style: chr17-36061162-G-A.
Other names: c.1282C>T, p.Gln428Ter (NM_001165923.4); c.1261+3760C>T (NM_001304286.2); short protein forms Q454*, Q428*.
Identifiers: ClinVar variation 635588 (VCV000635588.1), dbSNP rs2511701093, ClinGen allele CA398756039.

ClinVar aggregate classification (germline): Pathogenic (1 of 4 stars; one submission).

Conditions:
Renal cysts and diabetes syndrome (RCAD). Also called: Familial hypoplastic, glomerulocystic kidney; MATURITY-ONSET DIABETES OF THE YOUNG, TYPE 5. Identifiers: Orphanet 93111, MedGen C0431693, MONDO:0007669, OMIM 137920.

Submission:

Institute of Human Genetics, FAU Erlangen, Friedrich-Alexander-Universität Erlangen-Nürnberg
Classification: Pathogenic for Renal cysts and diabetes syndrome. Last evaluated: 2019-07-06. Review status: criteria provided, single submitter. Criteria: ACMG Guidelines, 2015. Collection method: literature only. Allele origin: germline. Affected: yes.
Comment: This variant and it's classification has been reported by Vasileiou et al. 2019; DOI:10.1101/576918. The variants has previously been reported in PMID:25700310; PMID:20378641; PMID:25536396 as "c.1360C>T" with clinical significance Pathogenic. It has been re-classified using InterVar and manual curation as Pathogenic based on PVS1 PM2 PP3.

Literature cited by the submitters: PubMed 25700310; PubMed 20378641; PubMed 25536396; DOI 10.1101/576918.